The following is an entry in ClinVar:

ClinVar aggregate classification (germline): Pathogenic (1 of 4 stars; one submission).

Conditions:
Cone-rod dystrophy 13 (CORD13). Identifiers: Orphanet 1872, MedGen C2750720, MONDO:0011987, OMIM 608194.
Leber congenital amaurosis 6 (LCA6). Identifiers: Orphanet 65, MedGen C1854260, MONDO:0013446, OMIM 613826.

Submission:

Labcorp Genetics (formerly Invitae), Labcorp
Classification: Pathogenic for Leber congenital amaurosis 6; Cone-rod dystrophy 13. Last evaluated: 2022-07-26. Review status: criteria provided, single submitter. Criteria: Invitae Variant Classification Sherloc (09022015). Collection method: clinical testing. Allele origin: germline.
Comment: For these reasons, this variant has been classified as Pathogenic. ClinVar contains an entry for this variant (Variation ID: 1074385). This premature translational stop signal has been observed in individual(s) with bone spicules, nyctalopia, and vision loss (Invitae). This variant is present in population databases (rs763671264, gnomAD 0.01%). This sequence change creates a premature translational stop signal (p.Glu455Lysfs*2) in the RPGRIP1 gene. It is expected to result in an absent or disrupted protein product. Loss-of-function variants in RPGRIP1 are known to be pathogenic (PMID: 11528500, 23105016).

Literature cited by the submitters: PubMed 11528500; PubMed 23105016.

NM_020366.4(RPGRIP1):c.1363del (p.Glu455fs)

Gene: RPGRIP1 (RPGR interacting protein 1; plus strand). Cytogenetic location: 14q11.2.
Variant type: Deletion.
Coding change: c.1363del on transcript NM_020366.4 (MANE Select); coding-DNA position 1363, one base deleted (G; older notation c.1363delG).
Protein change: p.Glu455fs; shifts the reading frame from glutamic acid 455.
Molecular consequence: frameshift variant.
Genome position (GRCh38, 1-based): chr14:21,320,073, G deleted; the last of 2 consecutive G bases (chr14:21,320,072-21,320,073); deleting either gives the same sequence. VCF-style (leftmost placement, unchanged base first): chr14-21320071-AG-A. GRCh37 (hg19) VCF-style: chr14-21788230-AG-A.
Other names: c.289del, p.Glu97fs (NM_001377523.1, NM_001377948.1, NM_001377949.1 and 1 more transcripts); short protein forms E455fs, E97fs.
Identifiers: ClinVar variation 1074385 (VCV001074385.9), dbSNP rs763671264, ClinGen allele CA7088955.
Genomic context (GRCh38, chr14:21,320,071, plus strand): 5'-CCCCAGCCCAAAATGAGGATCTGAAGCTTGAAGTCACCAACATACTTCAGAAGCATAAAC[AG>A]GAAGTAGAGCTCCTCCAAAATGCAGCCACAATTTCCCAACCTCCTGACAGGCAATCTGAA-3'